The following is an entry in ClinVar:

ClinVar aggregate classification (germline): Uncertain significance (1 of 4 stars; one submission).

Submission:

Dasa
Classification: Uncertain significance. Last evaluated: 2025-10-24. Review status: criteria provided, single submitter. Criteria: DASA Assertion Criteria. Collection method: clinical testing. Allele origin: germline.
Comment: NM_001130847.4(AIFM1):c.968A>C (p.Asp323Ala) is a missense variant that results in the substitution of aspartic acid with alanine. This variant is absent from population databases. The currently available literature and clinical evidence are not sufficient to establish a definitive association between this variant and the reported condition. Therefore, this variant is classified as a variant of uncertain significance.

NM_004208.4(AIFM1):c.968-340A>C

Genes: AIFM1 (apoptosis inducing factor mitochondria associated 1; minus strand), RAB33A (RAB33A, member RAS oncogene family; plus strand). Cytogenetic location: Xq26.1.
Variant type: single nucleotide variant.
Coding change: c.968-340A>C on transcript NM_004208.4 (MANE Select); 340 bases into the intron before coding-DNA position 968, A replaced by C.
Molecular consequence: intron variant. On other transcripts: 5 prime UTR variant (1), missense variant (1), non-coding transcript variant (1).
Genome position (GRCh38, 1-based): chrX:130,137,525, T>G on the plus strand (A>C on the coding strand, the complement: AIFM1 is on the minus strand). VCF-style: chrX-130137525-T-G. GRCh37 (hg19) VCF-style: chrX-129271500-T-G.
Other names: c.-390A>C (NM_001130846.4); c.968A>C, p.Asp323Ala (NM_001130847.4); c.956-340A>C (NM_145812.3); short protein forms D323A.
Identifiers: ClinVar variation 4852690 (VCV004852690.2).
Genomic context (GRCh38, chrX:130,137,525, plus strand): 5'-AGTGCTTTGCAACCTCTGAATAGGAAGCATCCTCCTGAAAAGATGCCCTGATTTCATATA[T>G]CTGAAAAAGAACATTAAGAAAACTAGTTGCCATGAAACATTCCAACTGGAGCTCACAGAT-3'